The following is an entry in ClinVar:

ClinVar aggregate classification (germline): Pathogenic. Review status: criteria provided, multiple submitters, no conflicts (2 of 4 stars). 2 submissions from 2 submitters: Pathogenic (2). Last evaluated 2024-06-04.

Submissions (2):

GeneDx
Classification: Pathogenic. Last evaluated: 2024-06-04. Review status: criteria provided, single submitter. Criteria: GeneDx Variant Classification Process June 2021. Collection method: clinical testing. Allele origin: germline. Affected: yes.
Comment: Nonsense variant predicted to result in protein truncation or nonsense mediated decay in a gene for which loss of function is a known mechanism of disease; Not observed at significant frequency in large population cohorts (gnomAD); Has not been previously published as pathogenic or benign to our knowledge

Labcorp Genetics (formerly Invitae), Labcorp
Classification: Pathogenic. Last evaluated: 2023-10-14. Review status: criteria provided, single submitter. Criteria: Invitae Variant Classification Sherloc (09022015). Collection method: clinical testing. Allele origin: germline.
Comment: This sequence change creates a premature translational stop signal (p.Trp561*) in the PHEX gene. It is expected to result in an absent or disrupted protein product. Loss-of-function variants in PHEX are known to be pathogenic (PMID: 9097956, 9106524, 19219621). This variant is not present in population databases (gnomAD no frequency). This variant has not been reported in the literature in individuals affected with PHEX-related conditions. ClinVar contains an entry for this variant (Variation ID: 1963664). Algorithms developed to predict the effect of sequence changes on RNA splicing suggest that this variant may disrupt the consensus splice site. For these reasons, this variant has been classified as Pathogenic.

Literature cited by the submitters: PubMed 9097956 (cited by Labcorp Genetics (formerly Invitae), Labcorp); PubMed 9106524 (cited by Labcorp Genetics (formerly Invitae), Labcorp); PubMed 19219621 (cited by Labcorp Genetics (formerly Invitae), Labcorp).

NM_000444.6(PHEX):c.1682G>A (p.Trp561Ter)

Genes: PHEX (phosphate regulating endopeptidase X-linked; plus strand), PTCHD1-AS (PTCHD1 and PHEX antisense RNA; minus strand). Cytogenetic location: Xp22.11.
Variant type: single nucleotide variant.
Coding change: c.1682G>A on transcript NM_000444.6 (MANE Select); coding-DNA position 1682, G replaced by A.
Protein change: p.Trp561Ter; replaces tryptophan 561 with a stop codon.
Molecular consequence: nonsense.
Genome position (GRCh38, 1-based): chrX:22,212,940, G>A. VCF-style: chrX-22212940-G-A. GRCh37 (hg19) VCF-style: chrX-22231057-G-A.
Other names: c.1682G>A (NM_000444.4); c.1682G>A, p.Trp561Ter (NM_001282754.2); short protein forms W561*.
Identifiers: ClinVar variation 1963664 (VCV001963664.6), dbSNP rs2518652941, ClinGen allele CA412575668.
Genomic context (GRCh38, chrX:22,212,940, plus strand): 5'-CTTAACATTTTTTCCTTCTCATAGGATTTCCAGCAGGAGAGCTCCAGAAGCCTTTCTTTT[G>A]GGGAACAGAATATCCTCGGTGAGTAAATGAGTACAGAAACCAGTTACTGACCAATTAGGA-3'